The following is an entry in ClinVar:

NM_003560.4(PLA2G6):c.17G>T (p.Arg6Leu)

Gene: PLA2G6 (phospholipase A2 group VI; minus strand). Cytogenetic location: 22q13.1.
Variant type: single nucleotide variant.
Coding change: c.17G>T on transcript NM_003560.4 (MANE Select); coding-DNA position 17, G replaced by T.
Protein change: p.Arg6Leu; replaces arginine 6 with leucine.
Molecular consequence: missense variant. On other transcripts: 5 prime UTR variant (3).
Genome position (GRCh38, 1-based): chr22:38,169,410, C>A on the plus strand (G>T on the coding strand, the complement: PLA2G6 is on the minus strand). VCF-style: chr22-38169410-C-A. GRCh37 (hg19) VCF-style: chr22-38565417-C-A.
Other names: c.17G>T, p.Arg6Leu (NM_001004426.3, NM_001199562.3, NM_001349864.2 and 2 more transcripts); c.-649G>T (NM_001349867.2, NM_001349869.2); c.-474G>T (NM_001349868.2); short protein forms R6L.
Identifiers: ClinVar variation 2882630 (VCV002882630.3), dbSNP rs972496588, ClinGen allele CA411521148.

ClinVar aggregate classification (germline): Uncertain significance (1 of 4 stars; one submission).

Conditions:
Infantile neuroaxonal dystrophy (NBIA2A). Also called: NEURODEGENERATION WITH BRAIN IRON ACCUMULATION 2A; SEITELBERGER DISEASE; Infantile neuroaxonal dystrophy 1. Identifiers: Orphanet 35069, MedGen C0270724, MONDO:0024457, OMIM 256600.

Submission:

Labcorp Genetics (formerly Invitae), Labcorp
Classification: Uncertain significance for Infantile neuroaxonal dystrophy. Last evaluated: 2024-10-24. Review status: criteria provided, single submitter. Criteria: Invitae Variant Classification Sherloc (09022015). Collection method: clinical testing. Allele origin: germline.
Comment: This sequence change replaces arginine, which is basic and polar, with leucine, which is neutral and non-polar, at codon 6 of the PLA2G6 protein (p.Arg6Leu). This variant is not present in population databases (gnomAD no frequency). This variant has not been reported in the literature in individuals affected with PLA2G6-related conditions. Invitae Evidence Modeling of protein sequence and biophysical properties (such as structural, functional, and spatial information, amino acid conservation, physicochemical variation, residue mobility, and thermodynamic stability) indicates that this missense variant is expected to disrupt PLA2G6 protein function with a positive predictive value of 95%. In summary, the available evidence is currently insufficient to determine the role of this variant in disease. Therefore, it has been classified as a Variant of Uncertain Significance.